The following is an entry in ClinVar:

ClinVar aggregate classification (germline): Pathogenic/Likely pathogenic. Review status: criteria provided, multiple submitters, no conflicts (2 of 4 stars). 3 submissions from 3 submitters: Pathogenic (2); Likely pathogenic (1). Last evaluated 2024-12-23.

Conditions:
Developmental and epileptic encephalopathy, 2 (DEE2). Also called: INFANTILE SPASM SYNDROME, X-LINKED 2; CDKL5 deficiency disorder. Identifiers: Orphanet 1934, Orphanet 3451, Orphanet 505652, MedGen C4750718, MONDO:0010396, OMIM 300672.
Angelman syndrome-like. Identifiers: MedGen CN128785.
CDKL5 disorder. Identifiers: MedGen CN296942, MONDO:0100039.

Submissions (3):

Centre for Population Genomics, CPG
Classification: Pathogenic for CDKL5 disorder. Last evaluated: 2024-12-23. Review status: criteria provided, single submitter. Criteria: McKnight et al. (Hum Mutat. 2022). Collection method: curation. Allele origin: germline. Inheritance: X-linked inheritance.
Comment: This variant has been collected from RettBASE and curated to current modified ACMG/AMP criteria. Based on the classification scheme defined by the ClinGen Rett/Angelman-like Expert Panel for Rett/AS-like Disorders Specifications to the ACMG/AMP Variant Interpretation Guidelines VCEP 3.0, this variant is classified as pathogenic. At least the following criteria are met: Predicted to result in loss of function, and LOF is a known mechanism of disease (PVS1). This variant has been identified as a de novo occurrence in at least 2 individuals with CDKL5 disorder, without confirmation of paternity and maternity (PM6_Strong). This variant is absent from gnomAD (PM2_Supporting).

Laboratorio de Genetica e Diagnostico Molecular, Hospital Israelita Albert Einstein
Classification: Likely pathogenic for Developmental and epileptic encephalopathy, 2. Last evaluated: 2022-01-31. Review status: criteria provided, single submitter. Criteria: ACMG Guidelines, 2015. Collection method: clinical testing. Allele origin: germline. Affected: yes.
Comment: ACMG classification criteria: PVS1 very strong, PM2 moderate

Labcorp Genetics (formerly Invitae), Labcorp
Classification: Pathogenic for Developmental and epileptic encephalopathy, 2; Angelman syndrome-like. Last evaluated: 2020-05-27. Review status: criteria provided, single submitter. Criteria: Invitae Variant Classification Sherloc (09022015). Collection method: clinical testing. Allele origin: germline.
Comment: For these reasons, this variant has been classified as Pathogenic. Loss-of-function variants in CDKL5 are known to be pathogenic (PMID: 22872100). This nonsense change has been observed in individual(s) with CDKL5-related conditions (PMID: 26544041, 28386848). This variant is not present in population databases (ExAC no frequency). This sequence change creates a premature translational stop signal (p.Trp176*) in the CDKL5 gene. It is expected to result in an absent or disrupted protein product.

Literature cited by the submitters: PubMed 22872100 (cited by Labcorp Genetics (formerly Invitae), Labcorp); PubMed 26544041 (cited by Labcorp Genetics (formerly Invitae), Labcorp); PubMed 28386848 (cited by Labcorp Genetics (formerly Invitae), Labcorp).

NM_001323289.2(CDKL5):c.527G>A (p.Trp176Ter)

Gene: CDKL5 (cyclin dependent kinase like 5; plus strand). Cytogenetic location: Xp22.13.
Variant type: single nucleotide variant.
Coding change: c.527G>A on transcript NM_001323289.2 (MANE Select); coding-DNA position 527, G replaced by A.
Protein change: p.Trp176Ter; replaces tryptophan 176 with a stop codon.
Molecular consequence: nonsense.
Genome position (GRCh38, 1-based): chrX:18,584,326, G>A. VCF-style: chrX-18584326-G-A. GRCh37 (hg19) VCF-style: chrX-18602446-G-A.
Other names: NM_001323289.2(CDKL5):c.527G>A; p.Trp176Ter; c.527G>A, p.Trp176Ter (NM_001037343.2, NM_003159.3); short protein forms W176*.
Identifiers: ClinVar variation 1070360 (VCV001070360.11), dbSNP rs2147145565, ClinGen allele CA412352463.